The following is an entry in ClinVar:

ClinVar aggregate classification (germline): Uncertain significance (1 of 4 stars; one submission).

Allele frequency attached by ClinVar (database versions not stated): gnomAD exomes below 0.00001.
gnomAD v4.1: 6 of 1,614,188 alleles (0.00037%); highest among the groups gnomAD compares: Non-Finnish European, 0.00051%; no homozygotes.

Submission:

GeneDx
Classification: Uncertain significance. Last evaluated: 2022-09-16. Review status: criteria provided, single submitter. Criteria: GeneDx Variant Classification Process June 2021. Collection method: clinical testing. Allele origin: germline. Affected: yes.
Comment: Not observed at significant frequency in large population cohorts (gnomAD); In silico analysis supports that this missense variant has a deleterious effect on protein structure/function; Has not been previously published as pathogenic or benign to our knowledge

NM_001130438.3(SPTAN1):c.2660A>C (p.Glu887Ala)

Gene: SPTAN1 (spectrin alpha, non-erythrocytic 1; plus strand). Cytogenetic location: 9q34.11.
Variant type: single nucleotide variant.
Coding change: c.2660A>C on transcript NM_001130438.3 (MANE Select); coding-DNA position 2660, A replaced by C.
Protein change: p.Glu887Ala; replaces glutamic acid 887 with alanine.
Molecular consequence: missense variant.
Genome position (GRCh38, 1-based): chr9:128,585,847, A>C. VCF-style: chr9-128585847-A-C. GRCh37 (hg19) VCF-style: chr9-131348126-A-C.
Other names: c.2660A>C, p.Glu887Ala (NM_001195532.2, NM_001363759.2, NM_001363765.2 and 5 more transcripts); c.2696A>C, p.Glu899Ala (NM_001375312.2, NM_001375318.1); short protein forms E887A, E899A.
Identifiers: ClinVar variation 2444774 (VCV002444774.1), dbSNP rs1554747543, ClinGen allele CA375058259.